The following is an entry in ClinVar:

NM_002439.5(MSH3):c.3249G>C (p.Leu1083Phe)

Gene: MSH3 (mutS homolog 3; plus strand). Cytogenetic location: 5q14.1.
Variant type: single nucleotide variant.
Coding change: c.3249G>C on transcript NM_002439.5 (MANE Select); coding-DNA position 3249, G replaced by C.
Protein change: p.Leu1083Phe; replaces leucine 1083 with phenylalanine.
Molecular consequence: missense variant.
Genome position (GRCh38, 1-based): chr5:80,873,234, G>C. VCF-style: chr5-80873234-G-C. GRCh37 (hg19) VCF-style: chr5-80169053-G-C.
Other names: short protein forms L1083F.
Identifiers: ClinVar variation 1472050 (VCV001472050.8), dbSNP rs2112128870, ClinGen allele CA360347024.
Genomic context (GRCh38, chr5:80,873,234, plus strand): 5'-TGCAGCAAGGAGTTATGGATTAAATGTGGCTAAACTAGCAGATGTTCCTGGAGAAATTTT[G>C]AAGAAAGCAGCTCACAAGTCAAAAGAGCTGGAAGGATTAATAAATACGAAAAGGTCAGAG-3'
Protein context (NP_002430.3, residues 1073-1093): AKLADVPGEI[Leu1083Phe]KKAAHKSKEL

ClinVar aggregate classification (germline): Uncertain significance (1 of 4 stars; one submission).

Submission:

Labcorp Genetics (formerly Invitae), Labcorp
Classification: Uncertain significance. Last evaluated: 2021-04-11. Review status: criteria provided, single submitter. Criteria: Invitae Variant Classification Sherloc (09022015). Collection method: clinical testing. Allele origin: germline.
Comment: This sequence change replaces leucine with phenylalanine at codon 1083 of the MSH3 protein (p.Leu1083Phe). The leucine residue is moderately conserved and there is a small physicochemical difference between leucine and phenylalanine. This variant is not present in population databases (ExAC no frequency). This variant has not been reported in the literature in individuals with MSH3-related conditions. Algorithms developed to predict the effect of missense changes on protein structure and function are either unavailable or do not agree on the potential impact of this missense change (SIFT: "Deleterious"; PolyPhen-2: "Probably Damaging"; Align-GVGD: "Class C0"). In summary, the available evidence is currently insufficient to determine the role of this variant in disease. Therefore, it has been classified as a Variant of Uncertain Significance.